The following is an entry in ClinVar:

ClinVar aggregate classification (germline): Uncertain significance (1 of 4 stars; one submission).

Conditions:
Atrioventricular septal defect 5 (AVSD5). Identifiers: MedGen C3280939, MONDO:0013769, OMIM 614474.

Submission:

Labcorp Genetics (formerly Invitae), Labcorp
Classification: Uncertain significance for Atrioventricular septal defect 5. Last evaluated: 2020-12-15. Review status: criteria provided, single submitter. Criteria: Invitae Variant Classification Sherloc (09022015). Collection method: clinical testing. Allele origin: germline.
Comment: In summary, the available evidence is currently insufficient to determine the role of this variant in disease. Therefore, it has been classified as a Variant of Uncertain Significance. Algorithms developed to predict the effect of missense changes on protein structure and function (SIFT, PolyPhen-2, Align-GVGD) all suggest that this variant is likely to be tolerated, but these predictions have not been confirmed by published functional studies and their clinical significance is uncertain. This variant has not been reported in the literature in individuals with GATA6-related conditions. This variant is not present in population databases (ExAC no frequency). This sequence change replaces proline with arginine at codon 141 of the GATA6 protein (p.Pro141Arg). The proline residue is weakly conserved and there is a moderate physicochemical difference between proline and arginine.

NM_005257.6(GATA6):c.422C>G (p.Pro141Arg)

Gene: GATA6 (GATA binding protein 6; plus strand). Cytogenetic location: 18q11.2.
Variant type: single nucleotide variant.
Coding change: c.422C>G on transcript NM_005257.6 (MANE Select); coding-DNA position 422, C replaced by G.
Protein change: p.Pro141Arg; replaces proline 141 with arginine.
Molecular consequence: missense variant.
Genome position (GRCh38, 1-based): chr18:22,171,566, C>G. VCF-style: chr18-22171566-C-G. GRCh37 (hg19) VCF-style: chr18-19751527-C-G.
Other names: short protein forms P141R.
Identifiers: ClinVar variation 1023208 (VCV001023208.8), dbSNP rs2033047742, ClinGen allele CA401799629.
Genomic context (GRCh38, chr18:22,171,566, plus strand): 5'-CCGCGACCGCCAGCAAGCTGCTGTGGTCCAGCCGCGGCGCCAAGCTGAGCCCCTTCGCAC[C>G]CGAGCAGCCGGAGGAGATGTACCAGACCCTCGCCGCTCTCTCCAGCCAGGGTCCGGCCGC-3'
Protein context (NP_005248.2, residues 131-151): SRGAKLSPFA[Pro141Arg]EQPEEMYQTL